The following is an entry in ClinVar:

ClinVar aggregate classification (germline): Uncertain significance. Review status: criteria provided, single submitter (1 of 4 stars). 2 submissions from 2 submitters: Uncertain significance (1). 1 of the submissions does not count toward it. Last evaluated 2025-08-27.

Conditions:
ATP5PO-related disorder.

Allele frequency attached by ClinVar (database versions not stated): gnomAD exomes 0.00026; ExAC 0.00059; ESP Exome Variant Server 0.00100; gnomAD 0.00137; TOPMed 0.00173; 1000 Genomes Project 0.00240; 1000 Genomes Project 30x 0.00265.
gnomAD v4.1: 629 of 1,614,182 alleles (0.039%); highest among the groups gnomAD compares: African/African-American, 0.53%; 4 homozygotes.

Submissions (2):

Ambry Genetics
Classification: Uncertain significance. Last evaluated: 2025-08-27. Review status: criteria provided, single submitter. Criteria: Ambry Variant Classification Scheme 2023. Collection method: clinical testing. Allele origin: germline.

PreventionGenetics, part of Exact Sciences
Classification: Likely benign for ATP5PO-related condition. Last evaluated: 2023-06-06. Review status: no assertion criteria provided. Collection method: clinical testing. Allele origin: germline. Not counted in ClinVar's aggregate classification.
Comment: This variant is classified as likely benign based on ACMG/AMP sequence variant interpretation guidelines (Richards et al. 2015 PMID: 25741868, with internal and published modifications).

NM_001697.3(ATP5PO):c.565A>G (p.Ile189Val)

Gene: ATP5PO (ATP synthase peripheral stalk subunit OSCP; minus strand). Cytogenetic location: 21q22.11.
Variant type: single nucleotide variant.
Coding change: c.565A>G on transcript NM_001697.3 (MANE Select); coding-DNA position 565, A replaced by G.
Protein change: p.Ile189Val; replaces isoleucine 189 with valine.
Molecular consequence: missense variant.
Genome position (GRCh38, 1-based): chr21:33,903,603, T>C on the plus strand (A>G on the coding strand, the complement: ATP5PO is on the minus strand). VCF-style: chr21-33903603-T-C. GRCh37 (hg19) VCF-style: chr21-35275907-T-C.
Other names: short protein forms I189V.
Identifiers: ClinVar variation 3033865 (VCV003033865.3), dbSNP rs75701641, ClinGen allele CA10012661.